The following is an entry in ClinVar:

NM_002582.4(PARN):c.715A>G (p.Ile239Val)

Gene: PARN (poly(A)-specific ribonuclease; minus strand). Cytogenetic location: 16p13.12.
Variant type: single nucleotide variant.
Coding change: c.715A>G on transcript NM_002582.4 (MANE Select); coding-DNA position 715, A replaced by G.
Protein change: p.Ile239Val; replaces isoleucine 239 with valine.
Molecular consequence: missense variant.
Genome position (GRCh38, 1-based): chr16:14,604,214, T>C on the plus strand (A>G on the coding strand, the complement: PARN is on the minus strand). VCF-style: chr16-14604214-T-C. GRCh37 (hg19) VCF-style: chr16-14698071-T-C.
Other names: c.532A>G, p.Ile178Val (NM_001134477.3); c.577A>G, p.Ile193Val (NM_001242992.2); short protein forms I178V, I193V, I239V.
Identifiers: ClinVar variation 3762549 (VCV003762549.2).

ClinVar aggregate classification (germline): Uncertain significance (1 of 4 stars; one submission).

Conditions:
Dyskeratosis congenita, autosomal recessive 6 (DKCB6). Identifiers: MedGen C4225356, MONDO:0014600, OMIM 616353.
Pulmonary fibrosis and/or bone marrow failure, Telomere-related, 4. Also called: PULMONARY FIBROSIS AND/OR BONE MARROW FAILURE SYNDROME, TELOMERE-RELATED, 4. Identifiers: Orphanet 2032, MedGen C4225347, MONDO:0014612, OMIM 616371.

gnomAD v4.1: 2 of 1,585,258 alleles (0.00013%); highest among the groups gnomAD compares: Non-Finnish European, 0.00017%; no homozygotes.

Submission:

Labcorp Genetics (formerly Invitae), Labcorp
Classification: Uncertain significance for Dyskeratosis congenita, autosomal recessive 6; Pulmonary fibrosis and/or bone marrow failure, Telomere-related, 4. Last evaluated: 2024-11-27. Review status: criteria provided, single submitter. Criteria: Invitae Variant Classification Sherloc (09022015). Collection method: clinical testing. Allele origin: germline.
Comment: This sequence change replaces isoleucine, which is neutral and non-polar, with valine, which is neutral and non-polar, at codon 239 of the PARN protein (p.Ile239Val). This variant is not present in population databases (gnomAD no frequency). This variant has not been reported in the literature in individuals affected with PARN-related conditions. Invitae Evidence Modeling of protein sequence and biophysical properties (such as structural, functional, and spatial information, amino acid conservation, physicochemical variation, residue mobility, and thermodynamic stability) indicates that this missense variant is not expected to disrupt PARN protein function with a negative predictive value of 80%. In summary, the available evidence is currently insufficient to determine the role of this variant in disease. Therefore, it has been classified as a Variant of Uncertain Significance.